The following is an entry in ClinVar:

ClinVar aggregate classification (germline): Uncertain significance. Review status: criteria provided, multiple submitters, no conflicts (2 of 4 stars). 2 submissions from 2 submitters: Uncertain significance (2). Last evaluated 2024-01-08.

Conditions:
Inborn genetic diseases. Identifiers: MedGen C0950123, MeSH D030342.

Allele frequency attached by ClinVar (database versions not stated): gnomAD exomes 0.00001; ExAC 0.00002; TOPMed 0.00008; gnomAD 0.00011; ESP Exome Variant Server 0.00015.
gnomAD v4.1: 30 of 1,614,022 alleles (0.0019%); highest among the groups gnomAD compares: African/African-American, 0.031%; no homozygotes.

Submissions (2):

Ambry Genetics
Classification: Uncertain significance for Inborn genetic diseases. Last evaluated: 2024-01-08. Review status: criteria provided, single submitter. Criteria: Ambry Variant Classification Scheme 2023. Collection method: clinical testing. Allele origin: germline.

Labcorp Genetics (formerly Invitae), Labcorp
Classification: Uncertain significance. Last evaluated: 2022-08-23. Review status: criteria provided, single submitter. Criteria: Invitae Variant Classification Sherloc (09022015). Collection method: clinical testing. Allele origin: germline.
Comment: This sequence change replaces valine, which is neutral and non-polar, with methionine, which is neutral and non-polar, at codon 391 of the FLVCR2 protein (p.Val391Met). This variant is present in population databases (rs138308850, gnomAD 0.04%). This variant has not been reported in the literature in individuals affected with FLVCR2-related conditions. Algorithms developed to predict the effect of missense changes on protein structure and function are either unavailable or do not agree on the potential impact of this missense change (SIFT: "Deleterious"; PolyPhen-2: "Possibly Damaging"; Align-GVGD: "Class C0"). In summary, the available evidence is currently insufficient to determine the role of this variant in disease. Therefore, it has been classified as a Variant of Uncertain Significance.

NM_017791.3(FLVCR2):c.1171G>A (p.Val391Met)

Gene: FLVCR2 (FLVCR choline and putative heme transporter 2; plus strand). Cytogenetic location: 14q24.3.
Variant type: single nucleotide variant.
Coding change: c.1171G>A on transcript NM_017791.3 (MANE Select); coding-DNA position 1171, G replaced by A.
Protein change: p.Val391Met; replaces valine 391 with methionine.
Molecular consequence: missense variant.
Genome position (GRCh38, 1-based): chr14:75,639,398, G>A. VCF-style: chr14-75639398-G-A. GRCh37 (hg19) VCF-style: chr14-76105741-G-A.
Other names: c.556G>A, p.Val186Met (NM_001195283.2); c.1171G>A (NM_017791.2); short protein forms V391M, V186M.
Identifiers: ClinVar variation 2186821 (VCV002186821.2), dbSNP rs138308850, ClinGen allele CA7278476.
Genomic context (GRCh38, chr14:75,639,398, plus strand): 5'-GCCTCTACTTGTAGAGAGACAACCCTGGTAGTCTATATCATGACACTGGTGGGCATGGTG[G>A]TGTACACGTTTACCTTGAACCTGGGACACCTGTGGGTAGTGTTCATCACTGCTGGCACAA-3'
Protein context (NP_060261.2, residues 381-401): VYIMTLVGMV[Val391Met]YTFTLNLGHL